The following is an entry in ClinVar:

ClinVar aggregate classification (germline): Pathogenic. Review status: criteria provided, multiple submitters, no conflicts (2 of 4 stars). 2 submissions from 2 submitters: Pathogenic (2). Last evaluated 2025-04-08.

Conditions:
Hereditary acrodermatitis enteropathica (AEZ). Also called: Acrodermatitis enteropathica. Identifiers: Orphanet 37, MedGen C0221036, MONDO:0008713, OMIM 201100.

Submissions (2):

Women's Health and Genetics/Laboratory Corporation of America, LabCorp
Classification: Pathogenic for Hereditary acrodermatitis enteropathica. Last evaluated: 2025-04-08. Review status: criteria provided, single submitter. Criteria: LabCorp Variant Classification Summary - May 2015. Collection method: clinical testing. Allele origin: germline.
Comment: Variant summary: SLC39A4 c.1109dupG (p.Ala371CysfsX47) results in a premature termination codon, predicted to cause a truncation of the encoded protein or absence of the protein due to nonsense mediated decay, which are commonly known mechanisms for disease. The variant was absent in 235734 control chromosomes. c.1109dupG has been reported in the literature in individuals affected with Acrodermatitis Enteropathica (Mu_2017, Li_2024). These data indicate that the variant is likely to be associated with disease. To our knowledge, no experimental evidence demonstrating an impact on protein function has been reported. The following publications have been ascertained in the context of this evaluation (PMID: 38831989, 28604961). No submitters have cited clinical-significance assessments for this variant to ClinVar. Based on the evidence outlined above, the variant was classified as pathogenic.

Juno Genomics, Hangzhou Juno Genomics, Inc
Classification: Pathogenic for Hereditary acrodermatitis enteropathica. Review status: criteria provided, single submitter. Criteria: ACMG Guidelines, 2015. Collection method: clinical testing. Allele origin: germline.
Comment: Absent from controls (or at extremely low frequency if recessive) in Genome Aggregation Database.;Null variant in a gene where loss of function (LOF) is a known mechanism of disease.;For recessive disorders, detected in trans with a pathogenic variant.

Literature cited by the submitters: PubMed 38831989 (cited by Women's Health and Genetics/Laboratory Corporation of America, LabCorp); PubMed 28604961 (cited by Women's Health and Genetics/Laboratory Corporation of America, LabCorp).

NM_130849.4(SLC39A4):c.1109dup (p.Ala371fs)

Gene: SLC39A4 (solute carrier family 39 member 4; minus strand). Cytogenetic location: 8q24.3.
Variant type: Duplication.
Coding change: c.1109dup on transcript NM_130849.4 (MANE Select); coding-DNA position 1109, one base duplicated (G; older notation c.1109dupG).
Protein change: p.Ala371fs; shifts the reading frame from alanine 371.
Molecular consequence: frameshift variant.
Genome position (GRCh38, 1-based): chr8:144,414,302, C duplicated on the plus strand (G on the coding strand, the reverse complement: SLC39A4 is on the minus strand); the first of 3 consecutive C bases (chr8:144,414,302-144,414,304); duplicating any one gives the same sequence. VCF-style (leftmost placement, unchanged base first): chr8-144414301-A-AC. GRCh37 (hg19) VCF-style: chr8-145639685-A-AC.
Other names: c.827dup, p.Ala277fs (NM_001374839.1); c.1034dup, p.Ala346fs (NM_017767.3); c.1109dupG (NM_130849.4); short protein forms A277fs, A346fs, A371fs.
Identifiers: ClinVar variation 3896408 (VCV003896408.4).